The following is an entry in ClinVar:

ClinVar aggregate classification (germline): Likely pathogenic (1 of 4 stars; one submission).

Conditions:
Oculofaciocardiodental syndrome (MCOPS2). Identifiers: Orphanet 2712, MedGen C1846265, MONDO:0010261, OMIM 300166.

Submissions (2):

Labcorp Genetics (formerly Invitae), Labcorp
Classification: Likely pathogenic for Oculofaciocardiodental syndrome. Last evaluated: 2024-07-17. Review status: criteria provided, single submitter. Criteria: Invitae Variant Classification Sherloc (09022015). Collection method: clinical testing. Allele origin: germline.
Comment: This sequence change affects a donor splice site in intron 5 of the BCOR gene. It is expected to disrupt RNA splicing. Variants that disrupt the donor or acceptor splice site typically lead to a loss of protein function (PMID: 16199547), and loss-of-function variants in BCOR are known to be pathogenic (PMID: 15004558, 19367324). This variant is not present in population databases (gnomAD no frequency). This variant has not been reported in the literature in individuals affected with BCOR-related conditions. Algorithms developed to predict the effect of sequence changes on RNA splicing suggest that this variant may disrupt the consensus splice site. In summary, the currently available evidence indicates that the variant is pathogenic, but additional data are needed to prove that conclusively. Therefore, this variant has been classified as Likely Pathogenic.

Dr. Peter K. Rogan Lab, Western University
No classification provided (evidence only). Condition: Nonpapillary renal cell carcinoma. Review status: no classification provided. Collection method: in vitro. Allele origin: not applicable. Functional consequence: retained intron. Not counted in ClinVar's aggregate classification.

Literature cited by the submitters: PubMed 16199547 (cited by Labcorp Genetics (formerly Invitae), Labcorp); PubMed 15004558 (cited by Labcorp Genetics (formerly Invitae), Labcorp); PubMed 19367324 (cited by Labcorp Genetics (formerly Invitae), Labcorp).

NM_001123385.2(BCOR):c.3051+1G>A

Gene: BCOR (BCL6 corepressor; minus strand). Cytogenetic location: Xp11.4.
Variant type: single nucleotide variant.
Coding change: c.3051+1G>A on transcript NM_001123385.2 (MANE Select); the canonical splice donor site of the intron after coding-DNA position 3051, G replaced by A.
Molecular consequence: splice donor variant. On other transcripts: intron variant (2).
Genome position (GRCh38, 1-based): chrX:40,071,636, C>T on the plus strand (G>A on the coding strand, the complement: BCOR is on the minus strand). VCF-style: chrX-40071636-C-T. GRCh37 (hg19) VCF-style: chrX-39930889-C-T.
Other names: c.2998-477G>A (NM_001123384.2, NM_001438207.1); c.3051+1G>A (NM_001123383.2, NM_001437510.1, NM_001438208.1 and 2 more transcripts).
Identifiers: ClinVar variation 3659773 (VCV003659773.3).